The following is an entry in ClinVar:

ClinVar aggregate classification (germline): Uncertain significance (1 of 4 stars; one submission).

Submission:

GeneDx
Classification: Uncertain significance. Last evaluated: 2024-08-28. Review status: criteria provided, single submitter. Criteria: GeneDx Variant Classification Process June 2021. Collection method: clinical testing. Allele origin: germline. Affected: yes.
Comment: Not observed at significant frequency in large population cohorts (gnomAD); Missense variant in a gene in which most reported pathogenic variants are truncating/loss of function; Has not been previously published as pathogenic or benign to our knowledge

NM_001267550.2(TTN):c.20928A>T (p.Glu6976Asp)

Genes: TTN (titin; minus strand), LOC126806428 (BRD4-independent group 4 enhancer GRCh37_chr2:179588362-179589561; plus strand). Cytogenetic location: 2q31.2.
Variant type: single nucleotide variant.
Coding change: c.20928A>T on transcript NM_001267550.2 (MANE Select); coding-DNA position 20928, A replaced by T.
Protein change: p.Glu6976Asp; replaces glutamic acid 6976 with aspartic acid.
Molecular consequence: missense variant. On other transcripts: intron variant (3).
Genome position (GRCh38, 1-based): chr2:178,724,447, T>A on the plus strand (A>T on the coding strand, the complement: TTN is on the minus strand). VCF-style: chr2-178724447-T-A. GRCh37 (hg19) VCF-style: chr2-179589174-T-A.
Other names: c.19977A>T, p.Glu6659Asp (NM_001256850.1); c.17196A>T, p.Glu5732Asp (NM_133378.4); c.13282+13635A>T (NM_003319.4); c.13858+13635A>T (NM_133437.4); c.13657+13635A>T (NM_133432.3); short protein forms E5732D, E6659D, E6976D.
Identifiers: ClinVar variation 3765912 (VCV003765912.1).